The following is an entry in ClinVar:

ClinVar aggregate classification (germline): Likely benign. Review status: criteria provided, multiple submitters, no conflicts (2 of 4 stars). 4 submissions from 4 submitters: Likely benign (4). Last evaluated 2026-02-01.

Conditions:
LZTS1-related disorder. Also called: LZTS1-related condition.

Allele frequency attached by ClinVar (database versions not stated): 1000 Genomes Project 0.00040; ExAC 0.00049; gnomAD 0.00076 and 0.00081; TOPMed 0.00088; 1000 Genomes Project 30x 0.00031; ESP Exome Variant Server 0.00100.

Submissions (4):

Labcorp Genetics (formerly Invitae), Labcorp
Classification: Likely benign. Last evaluated: 2026-02-01. Review status: criteria provided, single submitter. Criteria: Invitae Variant Classification Sherloc (09022015). Collection method: clinical testing. Allele origin: germline.

PreventionGenetics, part of Exact Sciences
Classification: Likely benign for LZTS1-related condition. Last evaluated: 2025-11-19. Review status: criteria provided, single submitter. Criteria: ACMG Guidelines, 2015. Collection method: clinical testing. Allele origin: germline.
Comment: This variant is classified as likely benign based on ACMG/AMP sequence variant interpretation guidelines (Richards et al. 2015 PMID: 25741868, with internal and published modifications).

CeGaT Center for Human Genetics Tuebingen
Classification: Likely benign. Last evaluated: 2023-10-01. Review status: criteria provided, single submitter. Criteria: CeGaT Center For Human Genetics Tuebingen Variant Classification Criteria Version 2. Collection method: clinical testing. Allele origin: germline. Affected: yes. Observed: 1 variant allele.
Comment: LZTS1: BP4

Breakthrough Genomics
Classification: Likely benign. Review status: criteria provided, single submitter. Criteria: ACMG Guidelines, 2015. Collection method: not provided. Allele origin: germline. Inheritance: Autosomal dominant inheritance. Affected: yes.

NM_021020.5(LZTS1):c.223C>T (p.Arg75Trp)

Gene: LZTS1 (leucine zipper tumor suppressor 1; minus strand). Cytogenetic location: 8p21.3.
Variant type: single nucleotide variant.
Coding change: c.223C>T on transcript NM_021020.5 (MANE Select); coding-DNA position 223, C replaced by T.
Protein change: p.Arg75Trp; replaces arginine 75 with tryptophan.
Molecular consequence: missense variant.
Genome position (GRCh38, 1-based): chr8:20,254,959, G>A on the plus strand (C>T on the coding strand, the complement: LZTS1 is on the minus strand). VCF-style: chr8-20254959-G-A. GRCh37 (hg19) VCF-style: chr8-20112470-G-A.
Other names: c.223C>T (NM_021020.3); c.223C>T, p.Arg75Trp (NM_001362884.2); short protein forms R75W.
Identifiers: ClinVar variation 1574959 (VCV001574959.34), dbSNP rs144864312, ClinGen allele CA4657582.
Genomic context (GRCh38, chr8:20,254,959, plus strand): 5'-CAGCCTGGCCCCCTAAATCCCCGCTGGACAGTGCCGTGTAATCTGGGTGATGGGAGCCCC[G>A]GGCTTTCTGGCTGACCTTGATGTAGAAGAAGTCTTCGCTCTTGCCCATTTTGGAGCTGGA-3'
Protein context (NP_066300.1, residues 65-85): FFYIKVSQKA[Arg75Trp]GSHHPDYTAL